The following is an entry in ClinVar:

NM_001162501.2(TNRC6B):c.915T>C (p.Asn305=)

Gene: TNRC6B (trinucleotide repeat containing adaptor 6B; plus strand). Cytogenetic location: 22q13.1.
Variant type: single nucleotide variant.
Coding change: c.915T>C on transcript NM_001162501.2 (MANE Select); coding-DNA position 915, T replaced by C.
Protein change: p.Asn305=; no amino-acid change (asparagine 305 retained).
Molecular consequence: synonymous variant. On other transcripts: intron variant (1).
Genome position (GRCh38, 1-based): chr22:40,265,145, T>C. VCF-style: chr22-40265145-T-C. GRCh37 (hg19) VCF-style: chr22-40661149-T-C.
Other names: c.915T>C, p.Asn305= (NM_015088.3); c.565+2972T>C (NM_001024843.2).
Identifiers: ClinVar variation 778200 (VCV000778200.28), dbSNP rs78817490, ClinGen allele CA10246608.

ClinVar aggregate classification (germline): Benign. Review status: criteria provided, multiple submitters, no conflicts (2 of 4 stars). 4 submissions from 4 submitters: Benign (3). 1 of the submissions does not count toward it. Last evaluated 2026-05-01.

Conditions:
TNRC6B-related disorder. Also called: TNRC6B-related condition.

Allele frequency attached by ClinVar (database versions not stated): 1000 Genomes Project 0.00200; 1000 Genomes Project 30x 0.00250; ExAC 0.00370; gnomAD exomes 0.00379 and 0.00642; gnomAD 0.00385 and 0.00430; TOPMed 0.00445; ESP Exome Variant Server 0.00480.
gnomAD v4.1: 9,915 of 1,613,864 alleles (0.61%); highest among the groups gnomAD compares: Non-Finnish European, 0.77%; 43 homozygotes.

Submissions (4):

CeGaT Center for Human Genetics Tuebingen
Classification: Benign. Last evaluated: 2026-05-01. Review status: criteria provided, single submitter. Criteria: CeGaT Center For Human Genetics Tuebingen Variant Classification Criteria Version 2. Collection method: clinical testing. Allele origin: germline. Affected: yes. Observed: 20 variant alleles.
Comment: TNRC6B: BP4, BS1, BS2

Labcorp Genetics (formerly Invitae), Labcorp
Classification: Benign. Last evaluated: 2018-08-16. Review status: criteria provided, single submitter. Criteria: Invitae Variant Classification Sherloc (09022015). Collection method: clinical testing. Allele origin: germline.

Breakthrough Genomics
Classification: Benign. Review status: criteria provided, single submitter. Criteria: ACMG Guidelines, 2015. Collection method: not provided. Allele origin: germline. Inheritance: Autosomal dominant inheritance. Affected: yes.

PreventionGenetics, part of Exact Sciences
Classification: Likely benign for TNRC6B-related condition. Last evaluated: 2019-05-24. Review status: no assertion criteria provided. Collection method: clinical testing. Allele origin: germline. Not counted in ClinVar's aggregate classification.
Comment: This variant is classified as likely benign based on ACMG/AMP sequence variant interpretation guidelines (Richards et al. 2015 PMID: 25741868, with internal and published modifications).